The following is an entry in ClinVar:

NM_001369.3(DNAH5):c.11840del (p.Val3947fs)

Gene: DNAH5 (dynein axonemal heavy chain 5; minus strand). Cytogenetic location: 5p15.2.
Variant type: Deletion.
Coding change: c.11840del on transcript NM_001369.3 (MANE Select); coding-DNA position 11840, one base deleted (T; older notation c.11840delT).
Protein change: p.Val3947fs; shifts the reading frame from valine 3947.
Molecular consequence: frameshift variant.
Genome position (GRCh38, 1-based): chr5:13,729,482, A deleted on the plus strand (T on the coding strand, the reverse complement: DNAH5 is on the minus strand). VCF-style (leftmost placement, unchanged base first): chr5-13729481-CA-C. GRCh37 (hg19) VCF-style: chr5-13729590-CA-C.
Other names: short protein forms V3947fs.
Identifiers: ClinVar variation 1742898 (VCV001742898.2), dbSNP rs2546547058, ClinGen allele CA2580071982.

ClinVar aggregate classification (germline): Pathogenic (1 of 4 stars; one submission).

Conditions:
Primary ciliary dyskinesia. Also called: Ciliary dyskinesia. Identifiers: Orphanet 244, MedGen C0008780, MONDO:0016575, HP:0012265.

Submission:

Ambry Genetics
Classification: Pathogenic for Primary ciliary dyskinesia. Last evaluated: 2016-07-11. Review status: criteria provided, single submitter. Criteria: Ambry Variant Classification Scheme 2023. Collection method: clinical testing. Allele origin: germline.
Comment: The c.11840delT variant, located in coding exon 69 of the DNAH5 gene, results from a deletion of one nucleotide at nucleotide position 11840, causing a translational frameshift with a predicted alternate stop codon (p.V3947Gfs*84). This alteration is expected to result in loss of function by premature protein truncation or nonsense-mediated mRNA decay. As such, this alteration is interpreted as a disease-causing mutation.